The following is an entry in ClinVar:

ClinVar aggregate classification (germline): Likely benign (1 of 4 stars; one submission).

Conditions:
Spinocerebellar ataxia, autosomal recessive, with axonal neuropathy 1 (SCAN1). Identifiers: Orphanet 94124, MedGen C4759870, MONDO:0011801, OMIM 607250.

Allele frequency attached by ClinVar (database versions not stated): TOPMed 0.00046; 1000 Genomes Project 30x 0.00047; gnomAD 0.00049 and 0.00053; 1000 Genomes Project 0.00060.
gnomAD v4.1: 73 of 152,378 alleles (0.048%); highest among the groups gnomAD compares: African/African-American, 0.17%; no homozygotes.

Submission:

Illumina Laboratory Services, Illumina
Classification: Likely benign for Spinocerebellar ataxia, autosomal recessive, with axonal neuropathy 1. Last evaluated: 2018-01-13. Review status: criteria provided, single submitter. Criteria: ICSL Variant Classification Criteria 13 December 2019. Collection method: clinical testing. Allele origin: germline.
Comment: This variant was observed in the ICSL laboratory as part of a predisposition screen in an ostensibly healthy population. It had not been previously curated by ICSL or reported in the Human Gene Mutation Database (HGMD: prior to June 1st, 2018), and was therefore a candidate for classification through an automated scoring system. Utilizing variant allele frequency, disease prevalence and penetrance estimates, and inheritance mode, an automated score was calculated to assess if this variant is too frequent to cause the disease. Based on the score and internal cut-off values, a variant classified as likely benign is not then subjected to further curation. The score for this variant resulted in a classification of likely benign for this disease.

NM_018319.4(TDP1):c.*1430G>C

Gene: TDP1 (tyrosyl-DNA phosphodiesterase 1; plus strand). Cytogenetic location: 14q32.11.
Variant type: single nucleotide variant.
Coding change: c.*1430G>C on transcript NM_018319.4 (MANE Select); 1430 bases downstream of the stop codon, G replaced by C.
Molecular consequence: 3 prime UTR variant.
Genome position (GRCh38, 1-based): chr14:90,044,573, G>C. VCF-style: chr14-90044573-G-C. GRCh37 (hg19) VCF-style: chr14-90510917-G-C.
Other names: c.*1430G>C (NM_001008744.2); c.*1411G>C (NM_001330205.2).
Identifiers: ClinVar variation 885229 (VCV000885229.4), dbSNP rs34513682, ClinGen allele CA264594719.
Genomic context (GRCh38, chr14:90,044,573, plus strand): 5'-GTAGTCTTTCAAACTGTTCCTCAGAGGCCTAGGATTTTCCAAAAGTACCTTAGGAACCTT[G>C]TAGGCTGCAGTGGGGGTGTGGCGATAGAGCAGGAGGCAGGGAGACAGGGCTGCAGGGCCT-3'